The following is an entry in ClinVar:

ClinVar aggregate classification (germline): Uncertain significance (1 of 4 stars; one submission).

Conditions:
Peroxisome biogenesis disorder, complementation group K (CGK). Identifiers: MedGen C1866257, MONDO:0800365.

Allele frequency attached by ClinVar (database versions not stated): gnomAD exomes below 0.00001.
gnomAD v4.1: 1 of 1,585,768 alleles (0.000063%); highest among the groups gnomAD compares: Admixed American, 0.0018%; no homozygotes.

Submission:

Labcorp Genetics (formerly Invitae), Labcorp
Classification: Uncertain significance for Peroxisome biogenesis disorder, complementation group K. Last evaluated: 2022-10-04. Review status: criteria provided, single submitter. Criteria: Invitae Variant Classification Sherloc (09022015). Collection method: clinical testing. Allele origin: germline.
Comment: ClinVar contains an entry for this variant (Variation ID: 1393146). This variant has not been reported in the literature in individuals affected with PEX14-related conditions. This variant is not present in population databases (gnomAD no frequency). This sequence change replaces valine, which is neutral and non-polar, with alanine, which is neutral and non-polar, at codon 303 of the PEX14 protein (p.Val303Ala). Advanced modeling of protein sequence and biophysical properties (such as structural, functional, and spatial information, amino acid conservation, physicochemical variation, residue mobility, and thermodynamic stability) performed at Invitae indicates that this missense variant is not expected to disrupt PEX14 protein function. In summary, the available evidence is currently insufficient to determine the role of this variant in disease. Therefore, it has been classified as a Variant of Uncertain Significance.

NM_004565.3(PEX14):c.908T>C (p.Val303Ala)

Gene: PEX14 (peroxisomal biogenesis factor 14; plus strand). Cytogenetic location: 1p36.22.
Variant type: single nucleotide variant.
Coding change: c.908T>C on transcript NM_004565.3 (MANE Select); coding-DNA position 908, T replaced by C.
Protein change: p.Val303Ala; replaces valine 303 with alanine.
Molecular consequence: missense variant.
Genome position (GRCh38, 1-based): chr1:10,629,761, T>C. VCF-style: chr1-10629761-T-C. GRCh37 (hg19) VCF-style: chr1-10689818-T-C.
Other names: short protein forms V303A.
Identifiers: ClinVar variation 1393146 (VCV001393146.5), dbSNP rs1160257639, ClinGen allele CA338339037.